The following is an entry in ClinVar:

ClinVar aggregate classification (germline): Uncertain significance. Review status: criteria provided, multiple submitters, no conflicts (2 of 4 stars). 2 submissions from 2 submitters: Uncertain significance (2). Last evaluated 2025-10-28.

Conditions:
Dyskeratosis congenita, autosomal dominant 2. Identifiers: MedGen C3151443, MONDO:0013521, OMIM 613989.
Idiopathic Pulmonary Fibrosis. Also called: Idiopathic fibrosing alveolitis, chronic form; idiopathic fibrosing alveolitis. Identifiers: Orphanet 2032, MedGen C1800706, MeSH D054990, MONDO:0800504.
Dyskeratosis congenita. Identifiers: Orphanet 1775, MedGen C0265965, MONDO:0015780.

Submissions (2):

Labcorp Genetics (formerly Invitae), Labcorp
Classification: Uncertain significance for Dyskeratosis congenita, autosomal dominant 2; Idiopathic Pulmonary Fibrosis. Last evaluated: 2025-10-28. Review status: criteria provided, single submitter. Criteria: Invitae Variant Classification Sherloc (09022015). Collection method: clinical testing. Allele origin: germline.
Comment: This sequence change replaces serine, which is neutral and polar, with proline, which is neutral and non-polar, at codon 796 of the TERT protein (p.Ser796Pro). This variant is not present in population databases (gnomAD no frequency). This missense change has been observed in individual(s) with clinical features of TERT-related conditions (PMID: 30523342; internal data). ClinVar contains an entry for this variant (Variation ID: 1790501). Invitae Evidence Modeling of protein sequence and biophysical properties (such as structural, functional, and spatial information, amino acid conservation, physicochemical variation, residue mobility, and thermodynamic stability) indicates that this missense variant is expected to disrupt TERT protein function with a positive predictive value of 95%. In summary, the available evidence is currently insufficient to determine the role of this variant in disease. Therefore, it has been classified as a Variant of Uncertain Significance.

Ambry Genetics
Classification: Uncertain significance for Dyskeratosis congenita. Last evaluated: 2021-03-08. Review status: criteria provided, single submitter. Criteria: Ambry Variant Classification Scheme 2023. Collection method: clinical testing. Allele origin: germline.
Comment: The p.S796P variant (also known as c.2386T>C), located in coding exon 8 of the TERT gene, results from a T to C substitution at nucleotide position 2386. The serine at codon 796 is replaced by proline, an amino acid with similar properties. In a cohort of patients with known or suspected telomere disease and liver involvement, one proband was found to carry this alteration (Kapuria D et al. Hepatology, 2019 06;69:2579-2585). This amino acid position is poorly conserved in available vertebrate species. In addition, the in silico prediction for this alteration is inconclusive. Since supporting evidence is limited at this time, the clinical significance of this alteration remains unclear.

Literature cited by the submitters: PubMed 30523342 (cited by Labcorp Genetics (formerly Invitae), Labcorp).

NM_198253.3(TERT):c.2386T>C (p.Ser796Pro)

Gene: TERT (telomerase reverse transcriptase; minus strand). Cytogenetic location: 5p15.33.
Variant type: single nucleotide variant.
Coding change: c.2386T>C on transcript NM_198253.3 (MANE Select); coding-DNA position 2386, T replaced by C.
Protein change: p.Ser796Pro; replaces serine 796 with proline.
Molecular consequence: missense variant.
Genome position (GRCh38, 1-based): chr5:1,271,201, A>G on the plus strand (T>C on the coding strand, the complement: TERT is on the minus strand). VCF-style: chr5-1271201-A-G. GRCh37 (hg19) VCF-style: chr5-1271316-A-G.
Other names: c.2386T>C, p.Ser796Pro (NM_001193376.3, NM_003219.1); short protein forms S796P.
Identifiers: ClinVar variation 1790501 (VCV001790501.3), dbSNP rs2478201085, ClinGen allele CA359075878.
Genomic context (GRCh38, chr5:1,271,201, plus strand): 5'-GGTGGCACATGAAGCGTAGGAAGACGTCGAAGAGGCCACTGCTGGCCTCATTCAGGGAGG[A>G]GCTCTGCGAAAGCAGACGGGAGACACATGGGAGTGAGCCGGTGGGTGCTGAGACAGGCAG-3'
Protein context (NP_937983.2, residues 786-806): LRDAVVIEQS[Ser796Pro]SLNEASSGLF